The following is an entry in ClinVar:

NC_000011.9:g.(?_108158168)_(108218112_?)del

Gene: ATM (ATM serine/threonine kinase; plus strand). Cytogenetic location: 11q22.3.
Variant type: Deletion.
Identifiers: ClinVar variation 3244476 (VCV003244476.1).

ClinVar aggregate classification (germline): Pathogenic (1 of 4 stars; one submission).

Conditions:
Ataxia-telangiectasia syndrome (AT). Also called: LOUIS-BAR SYNDROME; Cerebello-oculocutaneous telangiectasia; Immunodeficiency with ataxia telangiectasia; AT, COMPLEMENTATION GROUP C; Ataxia-telangiectasia, complementation group D; ATAXIA-TELANGIECTASIA, COMPLEMENTATION GROUP A. Identifiers: Orphanet 100, MedGen C0004135, MONDO:0008840, OMIM 208900.

Submission:

Labcorp Genetics (formerly Invitae), Labcorp
Classification: Pathogenic for Ataxia-telangiectasia syndrome. Last evaluated: 2023-06-15. Review status: criteria provided, single submitter. Criteria: Invitae Variant Classification Sherloc (09022015). Collection method: clinical testing. Allele origin: unknown.
Comment: For these reasons, this variant has been classified as Pathogenic. A similar copy number variant has been observed in individual(s) with ATM-related conditions (PMID: 26681312). This variant is a gross deletion of the genomic region encompassing exon(s) 27-59 of the ATM gene. This deletion is out-of-frame, and is expected to create a premature termination codon and result in an absent or disrupted protein product. Loss-of-function variants in ATM are known to be pathogenic (PMID: 23807571, 25614872).

Literature cited by the submitters: PubMed 26681312; PubMed 23807571; PubMed 25614872.